The following is an entry in ClinVar:

ClinVar aggregate classification (germline): Pathogenic/Likely pathogenic. Review status: criteria provided, multiple submitters, no conflicts (2 of 4 stars). 3 submissions from 3 submitters: Pathogenic (2); Likely pathogenic (1). Last evaluated 2026-09-13.

Conditions:
Developmental and epileptic encephalopathy, 1 (DEE1). Also called: X-linked infantile spasms; West's syndrome; Tonic spasms with clustering, arrest of psychomotor development and hypsarrhythmia on EEG; X-Linked Infantile Spasm Syndrome; OHTAHARA SYNDROME, X-LINKED; INFANTILE SPASM SYNDROME, X-LINKED 1. Identifiers: MedGen C3463992, MONDO:0010632, OMIM 308350. Disease mechanism: loss of function.
Autosomal recessive spinocerebellar ataxia 12. Also called: SPINOCEREBELLAR ATAXIA WITH MENTAL RETARDATION AND EPILEPSY. Identifiers: Orphanet 284282, MedGen C3280452, MONDO:0013687, OMIM 614322.

Allele frequency attached by ClinVar (database versions not stated): TOPMed below 0.00001.
gnomAD v4.1: 2 of 1,614,240 alleles (0.00012%); highest among the groups gnomAD compares: Non-Finnish European, 0.00017%; no homozygotes.

Submissions (3):

GeneDx
Classification: Likely pathogenic. Last evaluated: 2026-09-13. Review status: criteria provided, single submitter. Criteria: GeneDx Variant Classification Process June 2021. Collection method: clinical testing. Allele origin: germline.
Comment: Nonsense variant predicted to result in protein truncation or nonsense mediated decay in a gene for which loss of function is a known mechanism of disease; Not observed at significant frequency in large population cohorts (gnomAD); Has not been previously published as pathogenic or benign to our knowledge

Labcorp Genetics (formerly Invitae), Labcorp
Classification: Pathogenic for Developmental and epileptic encephalopathy, 1; Autosomal recessive spinocerebellar ataxia 12. Last evaluated: 2024-11-05. Review status: criteria provided, single submitter. Criteria: Invitae Variant Classification Sherloc (09022015). Collection method: clinical testing. Allele origin: germline.
Comment: This sequence change creates a premature translational stop signal (p.Tyr85*) in the WWOX gene. It is expected to result in an absent or disrupted protein product. Loss-of-function variants in WWOX are known to be pathogenic (PMID: 24456803, 25411445). This variant is not present in population databases (gnomAD no frequency). This variant has not been reported in the literature in individuals affected with WWOX-related conditions. ClinVar contains an entry for this variant (Variation ID: 419259). For these reasons, this variant has been classified as Pathogenic.

Eurofins Ntd Llc (ga)
Classification: Pathogenic. Last evaluated: 2017-08-24. Review status: criteria provided, single submitter. Criteria: EGL Classification Definitions 2015. Collection method: clinical testing. Allele origin: germline. Observed: 2 variant alleles, 2 heterozygotes.

Literature cited by the submitters: PubMed 24456803 (cited by Labcorp Genetics (formerly Invitae), Labcorp); PubMed 25411445 (cited by Labcorp Genetics (formerly Invitae), Labcorp and Eurofins Ntd Llc (ga)); PubMed 27495153 (cited by Eurofins Ntd Llc (ga)).

NM_016373.4(WWOX):c.255C>G (p.Tyr85Ter)

Gene: WWOX (WW domain containing oxidoreductase; plus strand). Cytogenetic location: 16q23.1.
Variant type: single nucleotide variant.
Coding change: c.255C>G on transcript NM_016373.4 (MANE Select); coding-DNA position 255, C replaced by G.
Protein change: p.Tyr85Ter; replaces tyrosine 85 with a stop codon.
Molecular consequence: nonsense. On other transcripts: 5 prime UTR variant (1), non-coding transcript variant (1).
Genome position (GRCh38, 1-based): chr16:78,115,000, C>G. VCF-style: chr16-78115000-C-G. GRCh37 (hg19) VCF-style: chr16-78148897-C-G.
Other names: c.-85C>G (NM_001291997.2); c.255C>G, p.Tyr85Ter (NM_130791.5); short protein forms Y85*.
Identifiers: ClinVar variation 419259 (VCV000419259.14), dbSNP rs990150249, ClinGen allele CA16620273.